The following is an entry in ClinVar:

NM_002528.7(NTHL1):c.217C>T (p.Pro73Ser)

Gene: NTHL1 (nth like DNA glycosylase 1; minus strand). Cytogenetic location: 16p13.3.
Variant type: single nucleotide variant.
Coding change: c.217C>T on transcript NM_002528.7 (MANE Select); coding-DNA position 217, C replaced by T.
Protein change: p.Pro73Ser; replaces proline 73 with serine.
Molecular consequence: missense variant. On other transcripts: intron variant (1).
Genome position (GRCh38, 1-based): chr16:2,046,265, G>A on the plus strand (C>T on the coding strand, the complement: NTHL1 is on the minus strand). VCF-style: chr16-2046265-G-A. GRCh37 (hg19) VCF-style: chr16-2096266-G-A.
Other names: c.217C>T, p.Pro73Ser (NM_001318193.2); c.24+15C>T (NM_001318194.2); short protein forms P73S.
Identifiers: ClinVar variation 2586101 (VCV002586101.2), dbSNP rs2548320570, ClinGen allele CA394297464.

ClinVar aggregate classification (germline): Uncertain significance (1 of 4 stars; one submission).

Conditions:
Hereditary cancer-predisposing syndrome. Also called: Hereditary neoplastic syndrome; Tumor predisposition; Hereditary Cancer Syndrome; Neoplastic Syndromes, Hereditary. Identifiers: Orphanet 140162, MedGen C0027672, MeSH D009386, MONDO:0015356.

gnomAD v4.1: 1 of 1,613,262 alleles (0.000062%); highest among the groups gnomAD compares: Non-Finnish European, 0.000085%; no homozygotes.

Submission:

Ambry Genetics
Classification: Uncertain significance for Hereditary cancer-predisposing syndrome. Last evaluated: 2023-08-25. Review status: criteria provided, single submitter. Criteria: Ambry Variant Classification Scheme 2023. Collection method: clinical testing. Allele origin: germline.
Comment: The p.P81S variant (also known as c.241C>T), located in coding exon 2 of the NTHL1 gene, results from a C to T substitution at nucleotide position 241. The proline at codon 81 is replaced by serine, an amino acid with similar properties. This amino acid position is conserved. In addition, this alteration is predicted to be tolerated by in silico analysis. Since supporting evidence is limited at this time, the clinical significance of this alteration remains unclear.